The following is an entry in ClinVar:

ClinVar aggregate classification (germline): Likely pathogenic. Review status: criteria provided, multiple submitters, no conflicts (2 of 4 stars). 2 submissions from 2 submitters: Likely pathogenic (2). Last evaluated 2025-11-10.

Conditions:
Citrullinemia. Identifiers: Orphanet 187, MedGen C0175683, MONDO:0015991.
Citrullinemia, type II, adult-onset (CDAA). Also called: CITRIN DEFICIENCY, ADOLESCENT OR ADULT ONSET. Identifiers: Orphanet 247585, MedGen CN295299, MONDO:0011326, OMIM 603471.
Neonatal intrahepatic cholestasis due to citrin deficiency (CDNI). Also called: Neonatal-onset citrullinemia type II; Neonatal-onset citrullinemia type 2; CITRIN DEFICIENCY, NEONATAL OR INFANTILE ONSET; Neonatal Intrahepatic Cholestasis Caused by Citrin Deficiency (NICCD). Identifiers: Orphanet 247598, MedGen C1853942, MONDO:0011601, OMIM 605814.

gnomAD v4.1: 1 of 1,614,110 alleles (0.000062%); highest among the groups gnomAD compares: East Asian, 0.0022%; no homozygotes.

Submissions (2):

Natera, Inc.
Classification: Likely pathogenic for Citrullinemia. Last evaluated: 2025-11-10. Review status: criteria provided, single submitter. Criteria: Natera Variant Classification Schema (03/2026). Collection method: clinical testing. Allele origin: germline.
Comment: The c.1157G>T variant in SLC25A13 is a missense variant predicted to cause substitution of glycine to valine at amino acid 386. This variant is rare in the general population with a frequency below the threshold expected for the associated phenotype(s). This variant has been observed in one or more individuals affected with the associated recessive disease, as either homozygous or compound heterozygous with a second variant (PMID: 31450232). Computational prediction algorithms indicate this variant is likely to affect gene or protein function. Given the available evidence, this variant is classified as Likely Pathogenic.

Juno Genomics, Hangzhou Juno Genomics, Inc
Classification: Likely pathogenic for Citrullinemia, type II, adult-onset; Neonatal intrahepatic cholestasis due to citrin deficiency. Review status: criteria provided, single submitter. Criteria: ACMG Guidelines, 2015. Collection method: clinical testing. Allele origin: germline.
Comment: Absent from controls (or at extremely low frequency if recessive) in Genome Aggregation Database.;Multiple lines of computational evidence support a deleterious effect on the gene or gene product.;For recessive disorders, detected in trans with a pathogenic variant.;Patient's phenotype or family history is highly specific for a disease with a single genetic etiology.

Literature cited by the submitters: PubMed 31450232 (cited by Natera, Inc.).

NM_014251.3(SLC25A13):c.1157G>T (p.Gly386Val)

Gene: SLC25A13 (solute carrier family 25 member 13; minus strand). Cytogenetic location: 7q21.3.
Variant type: single nucleotide variant.
Coding change: c.1157G>T on transcript NM_014251.3 (MANE Select); coding-DNA position 1157, G replaced by T.
Protein change: p.Gly386Val; replaces glycine 386 with valine.
Molecular consequence: missense variant. On other transcripts: non-coding transcript variant (1).
Genome position (GRCh38, 1-based): chr7:96,184,297, C>A on the plus strand (G>T on the coding strand, the complement: SLC25A13 is on the minus strand). VCF-style: chr7-96184297-C-A. GRCh37 (hg19) VCF-style: chr7-95813609-C-A.
Other names: c.1160G>T, p.Gly387Val (NM_001160210.2); short protein forms G386V, G387V.
Identifiers: ClinVar variation 4815627 (VCV004815627.3).